The following is an entry in ClinVar:

ClinVar aggregate classification (germline): Uncertain significance. Review status: criteria provided, multiple submitters, no conflicts (2 of 4 stars). 2 submissions from 2 submitters: Uncertain significance (2). Last evaluated 2026-01-08.

Allele frequency attached by ClinVar (database versions not stated): ExAC 0.00028.

Submissions (2):

Labcorp Genetics (formerly Invitae), Labcorp
Classification: Uncertain significance. Last evaluated: 2026-01-08. Review status: criteria provided, single submitter. Criteria: Invitae Variant Classification Sherloc (09022015). Collection method: clinical testing. Allele origin: germline.
Comment: This sequence change replaces arginine, which is basic and polar, with tryptophan, which is neutral and slightly polar, at codon 592 of the WDR87 protein (p.Arg592Trp). This variant is present in population databases (rs760463184, gnomAD 0.06%), and has an allele count higher than expected for a pathogenic variant. This variant has not been reported in the literature in individuals affected with WDR87-related conditions. ClinVar contains an entry for this variant (Variation ID: 2062856). An algorithm developed to predict the effect of missense changes on protein structure and function (PolyPhen-2) suggests that this variant is likely to be disruptive. In summary, the available evidence is currently insufficient to determine the role of this variant in disease. Therefore, it has been classified as a Variant of Uncertain Significance.

Ambry Genetics
Classification: Uncertain significance. Last evaluated: 2021-08-16. Review status: criteria provided, single submitter. Criteria: Ambry Variant Classification Scheme 2023. Collection method: clinical testing. Allele origin: germline.

NM_001291088.2(WDR87):c.1891C>T (p.Arg631Trp)

Gene: WDR87 (WD repeat domain 87; minus strand). Cytogenetic location: 19q13.13.
Variant type: single nucleotide variant.
Coding change: c.1891C>T on transcript NM_001291088.2 (MANE Select); coding-DNA position 1891, C replaced by T.
Protein change: p.Arg631Trp; replaces arginine 631 with tryptophan.
Molecular consequence: missense variant.
Genome position (GRCh38, 1-based): chr19:37,893,812, G>A on the plus strand (C>T on the coding strand, the complement: WDR87 is on the minus strand). VCF-style: chr19-37893812-G-A. GRCh37 (hg19) VCF-style: chr19-38384452-G-A.
Other names: c.1774C>T (NM_031951.3); c.1774C>T, p.Arg592Trp (NM_031951.5); short protein forms R592W, R631W.
Identifiers: ClinVar variation 2062856 (VCV002062856.5), dbSNP rs760463184, ClinGen allele CA9408852.